The following is an entry in ClinVar:

NM_003098.3(SNTA1):c.1006C>T (p.Arg336Trp)

Gene: SNTA1 (syntrophin alpha 1; minus strand). Cytogenetic location: 20q11.21.
Variant type: single nucleotide variant.
Coding change: c.1006C>T on transcript NM_003098.3 (MANE Select); coding-DNA position 1006, C replaced by T.
Protein change: p.Arg336Trp; replaces arginine 336 with tryptophan.
Molecular consequence: missense variant.
Genome position (GRCh38, 1-based): chr20:33,412,330, G>A on the plus strand (C>T on the coding strand, the complement: SNTA1 is on the minus strand). VCF-style: chr20-33412330-G-A. GRCh37 (hg19) VCF-style: chr20-32000136-G-A.
Other names: short protein forms R336W.
Identifiers: ClinVar variation 457075 (VCV000457075.9), dbSNP rs747104878, ClinGen allele CA9817082.
Genomic context (GRCh38, chr20:33,412,330, plus strand): 5'-GACATACTGCCCCTGCCTGTGGGTACCTGGTGGCGATGAGTGGGGCAGTACGGGCTGGCC[G>A]GCTCAGGGCCTCGCGGGTCTCGGGGAGAGACAAGTAGAGGAGCAGTTCCTTTTCAGTTAG-3'
Protein context (NP_003089.1, residues 326-346): SLPETREALS[Arg336Trp]PARTAPLIAT

ClinVar aggregate classification (germline): Conflicting classifications of pathogenicity. Review status: criteria provided, conflicting classifications (1 of 4 stars). 2 submissions from 2 submitters: Uncertain significance (1); Likely benign (1). Last evaluated 2024-06-24.

Conditions:
Cardiovascular phenotype. Identifiers: MedGen CN230736.
Long QT syndrome (LQTS). Identifiers: MedGen C0023976, MeSH D008133, MONDO:0002442. Disease mechanism: loss of function. Inheritance: Various modes of inheritance.

Allele frequency attached by ClinVar (database versions not stated): gnomAD 0.00001; gnomAD exomes 0.00002 and 0.00004; TOPMed 0.00002; ExAC 0.00003.

Submissions (2):

Labcorp Genetics (formerly Invitae), Labcorp
Classification: Uncertain significance for Long QT syndrome. Last evaluated: 2024-06-24. Review status: criteria provided, single submitter. Criteria: Invitae Variant Classification Sherloc (09022015). Collection method: clinical testing. Allele origin: germline.
Comment: This sequence change replaces arginine, which is basic and polar, with tryptophan, which is neutral and slightly polar, at codon 336 of the SNTA1 protein (p.Arg336Trp). This variant is present in population databases (rs747104878, gnomAD 0.03%). This variant has not been reported in the literature in individuals affected with SNTA1-related conditions. ClinVar contains an entry for this variant (Variation ID: 457075). Advanced modeling of protein sequence and biophysical properties (such as structural, functional, and spatial information, amino acid conservation, physicochemical variation, residue mobility, and thermodynamic stability) performed at Invitae indicates that this missense variant is not expected to disrupt SNTA1 protein function with a negative predictive value of 80%. In summary, the available evidence is currently insufficient to determine the role of this variant in disease. Therefore, it has been classified as a Variant of Uncertain Significance.

Ambry Genetics
Classification: Likely benign for Cardiovascular phenotype. Last evaluated: 2022-08-09. Review status: criteria provided, single submitter. Criteria: Ambry Variant Classification Scheme 2023. Collection method: clinical testing. Allele origin: germline.

Literature cited by the submitters: PubMed 27231019 (cited by Ambry Genetics).